The following is an entry in ClinVar:

NM_001734.5(C1S):c.497A>G (p.Asp166Gly)

Gene: C1S (complement C1s; plus strand). Cytogenetic location: 12p13.31.
Variant type: single nucleotide variant.
Coding change: c.497A>G on transcript NM_001734.5 (MANE Select); coding-DNA position 497, A replaced by G.
Protein change: p.Asp166Gly; replaces aspartic acid 166 with glycine.
Molecular consequence: missense variant. On other transcripts: 5 prime UTR variant (1).
Genome position (GRCh38, 1-based): chr12:7,064,372, A>G. VCF-style: chr12-7064372-A-G. GRCh37 (hg19) VCF-style: chr12-7171676-A-G.
Other names: c.-5A>G (NM_001346850.2); c.497A>G, p.Asp166Gly (NM_201442.4); c.497A>G (NM_201442.3); short protein forms D166G.
Identifiers: ClinVar variation 1958593 (VCV001958593.8), dbSNP rs200166518, ClinGen allele CA6423466.

ClinVar aggregate classification (germline): Uncertain significance. Review status: criteria provided, multiple submitters, no conflicts (2 of 4 stars). 3 submissions from 3 submitters: Uncertain significance (2). 1 of the submissions does not count toward it. Last evaluated 2025-12-30.

Conditions:
C1S-related disorder. Also called: C1S-related condition.
Inborn genetic diseases. Identifiers: MedGen C0950123, MeSH D030342.

Allele frequency attached by ClinVar (database versions not stated): ExAC 0.00001; gnomAD exomes below 0.00001; TOPMed 0.00001; ESP Exome Variant Server 0.00008.
gnomAD v4.1: 6 of 1,614,060 alleles (0.00037%); highest among the groups gnomAD compares: Non-Finnish European, 0.00051%; no homozygotes.

Submissions (3):

Labcorp Genetics (formerly Invitae), Labcorp
Classification: Uncertain significance. Last evaluated: 2025-12-30. Review status: criteria provided, single submitter. Criteria: Invitae Variant Classification Sherloc (09022015). Collection method: clinical testing. Allele origin: germline.
Comment: This sequence change replaces aspartic acid, which is acidic and polar, with glycine, which is neutral and non-polar, at codon 166 of the C1S protein (p.Asp166Gly). This variant is present in population databases (rs200166518, gnomAD 0.0009%). This variant has not been reported in the literature in individuals affected with C1S-related conditions. ClinVar contains an entry for this variant (Variation ID: 1958593). An algorithm developed to predict the effect of missense changes on protein structure and function (PolyPhen-2) suggests that this variant is likely to be tolerated. In summary, the available evidence is currently insufficient to determine the role of this variant in disease. Therefore, it has been classified as a Variant of Uncertain Significance.

Ambry Genetics
Classification: Uncertain significance for Inborn genetic diseases. Last evaluated: 2021-07-15. Review status: criteria provided, single submitter. Criteria: Ambry Variant Classification Scheme 2023. Collection method: clinical testing. Allele origin: germline.

PreventionGenetics, part of Exact Sciences
Classification: Uncertain significance for C1S-related condition. Last evaluated: 2023-12-20. Review status: no assertion criteria provided. Collection method: clinical testing. Allele origin: germline. Not counted in ClinVar's aggregate classification.
Comment: The C1S c.497A>G variant is predicted to result in the amino acid substitution p.Asp166Gly. To our knowledge, this variant has not been reported in the literature. This variant is reported in 0.00088% of alleles in individuals of European (Non-Finnish) descent in gnomAD. At this time, the clinical significance of this variant is uncertain due to the absence of conclusive functional and genetic evidence.